The following is an entry in ClinVar:

ClinVar aggregate classification (germline): Uncertain significance (1 of 4 stars; one submission).

Allele frequency attached by ClinVar (database versions not stated): gnomAD exomes below 0.00001 and 0.00001.

Submission:

Labcorp Genetics (formerly Invitae), Labcorp
Classification: Uncertain significance. Last evaluated: 2022-02-05. Review status: criteria provided, single submitter. Criteria: Invitae Variant Classification Sherloc (09022015). Collection method: clinical testing. Allele origin: germline.
Comment: This variant has not been reported in the literature in individuals affected with ACBD5-related conditions. This variant is present in population databases (no rsID available, gnomAD 0.007%). This sequence change replaces leucine, which is neutral and non-polar, with proline, which is neutral and non-polar, at codon 464 of the ACBD5 protein (p.Leu464Pro). Algorithms developed to predict the effect of missense changes on protein structure and function are either unavailable or do not agree on the potential impact of this missense change (SIFT: "Tolerated"; PolyPhen-2: "Possibly Damaging"; Align-GVGD: "Class C0"). In summary, the available evidence is currently insufficient to determine the role of this variant in disease. Therefore, it has been classified as a Variant of Uncertain Significance.

NM_145698.5(ACBD5):c.1391T>C (p.Leu464Pro)

Gene: ACBD5 (acyl-CoA binding domain containing 5; minus strand). Cytogenetic location: 10p12.1.
Variant type: single nucleotide variant.
Coding change: c.1391T>C on transcript NM_145698.5 (MANE Select); coding-DNA position 1391, T replaced by C.
Protein change: p.Leu464Pro; replaces leucine 464 with proline.
Molecular consequence: missense variant.
Genome position (GRCh38, 1-based): chr10:27,208,259, A>G on the plus strand (T>C on the coding strand, the complement: ACBD5 is on the minus strand). VCF-style: chr10-27208259-A-G. GRCh37 (hg19) VCF-style: chr10-27497188-A-G.
Other names: c.1286T>C, p.Leu429Pro (NM_001042473.4, NM_001352577.2, NM_001352578.2 and 1 more transcripts); c.1385T>C, p.Leu462Pro (NM_001271512.3); c.1064T>C, p.Leu355Pro (NM_001301251.2, NM_001301252.2, NM_001301253.2 and 2 more transcripts); c.860T>C, p.Leu287Pro (NM_001301254.2); c.1445T>C, p.Leu482Pro (NM_001352568.1); c.1424T>C, p.Leu475Pro (NM_001352569.1); c.1391T>C, p.Leu464Pro (NM_001352570.1); c.1418T>C, p.Leu473Pro (NM_001352571.1); and 10 more; short protein forms L396P, L464P, L355P, L394P, L457P, L462P, L471P, L473P.
Identifiers: ClinVar variation 1461623 (VCV001461623.7), dbSNP rs951430301, ClinGen allele CA204462006.